The following is an entry in ClinVar:

ClinVar aggregate classification (germline): Uncertain significance (1 of 4 stars; one submission).

gnomAD v4.1: 3 of 1,613,644 alleles (0.00019%); highest among the groups gnomAD compares: African/African-American, 0.004%; no homozygotes.

Submission:

Labcorp Genetics (formerly Invitae), Labcorp
Classification: Uncertain significance. Last evaluated: 2022-05-18. Review status: criteria provided, single submitter. Criteria: Invitae Variant Classification Sherloc (09022015). Collection method: clinical testing. Allele origin: germline.
Comment: This sequence change replaces glycine, which is neutral and non-polar, with arginine, which is basic and polar, at codon 58 of the SAG protein (p.Gly58Arg). This variant is present in population databases (no rsID available, gnomAD 0.007%). This variant has not been reported in the literature in individuals affected with SAG-related conditions. Algorithms developed to predict the effect of missense changes on protein structure and function are either unavailable or do not agree on the potential impact of this missense change (SIFT: "Deleterious"; PolyPhen-2: "Possibly Damaging"; Align-GVGD: "Class C0"). In summary, the available evidence is currently insufficient to determine the role of this variant in disease. Therefore, it has been classified as a Variant of Uncertain Significance.

NM_000541.5(SAG):c.172G>C (p.Gly58Arg)

Gene: SAG (S-antigen visual arrestin; plus strand). Cytogenetic location: 2q37.1.
Variant type: single nucleotide variant.
Coding change: c.172G>C on transcript NM_000541.5 (MANE Select); coding-DNA position 172, G replaced by C.
Protein change: p.Gly58Arg; replaces glycine 58 with arginine.
Molecular consequence: missense variant.
Genome position (GRCh38, 1-based): chr2:233,318,786, G>C. VCF-style: chr2-233318786-G-C. GRCh37 (hg19) VCF-style: chr2-234227432-G-C.
Other names: short protein forms G58R.
Identifiers: ClinVar variation 2115884 (VCV002115884.4), dbSNP rs1237999640, ClinGen allele CA351044522.